The following is an entry in ClinVar:

ClinVar aggregate classification (germline): Uncertain significance (1 of 4 stars; one submission).

Submission:

Labcorp Genetics (formerly Invitae), Labcorp
Classification: Uncertain significance. Last evaluated: 2024-02-26. Review status: criteria provided, single submitter. Criteria: Invitae Variant Classification Sherloc (09022015). Collection method: clinical testing. Allele origin: germline.
Comment: This sequence change replaces glycine, which is neutral and non-polar, with arginine, which is basic and polar, at codon 219 of the POU4F3 protein (p.Gly219Arg). This variant is not present in population databases (gnomAD no frequency). This variant has not been reported in the literature in individuals affected with POU4F3-related conditions. Advanced modeling of protein sequence and biophysical properties (such as structural, functional, and spatial information, amino acid conservation, physicochemical variation, residue mobility, and thermodynamic stability) performed at Invitae indicates that this missense variant is expected to disrupt POU4F3 protein function with a positive predictive value of 80%. In summary, the available evidence is currently insufficient to determine the role of this variant in disease. Therefore, it has been classified as a Variant of Uncertain Significance.

NM_002700.3(POU4F3):c.655G>C (p.Gly219Arg)

Genes: POU4F3 (POU class 4 homeobox 3; plus strand), RBM27-POU4F3 (RBM27-POU4F3 readthrough; plus strand). Cytogenetic location: 5q32.
Variant type: single nucleotide variant.
Coding change: c.655G>C on transcript NM_002700.3 (MANE Select); coding-DNA position 655, G replaced by C.
Protein change: p.Gly219Arg; replaces glycine 219 with arginine.
Molecular consequence: missense variant. On other transcripts: 3 prime UTR variant (1).
Genome position (GRCh38, 1-based): chr5:146,340,082, G>C. VCF-style: chr5-146340082-G-C. GRCh37 (hg19) VCF-style: chr5-145719645-G-C.
Other names: c.*524G>C (NM_001414499.1); short protein forms G219R.
Identifiers: ClinVar variation 2878820 (VCV002878820.3), dbSNP rs1561590637, ClinGen allele CA361621723.